The following is an entry in ClinVar:

ClinVar aggregate classification (germline): Benign. Review status: criteria provided, multiple submitters, no conflicts (2 of 4 stars). 3 submissions from 3 submitters: Benign (3). Last evaluated 2025-03-05.

Allele frequency attached by ClinVar (database versions not stated): 1000 Genomes Project 0.00679; 1000 Genomes Project 30x 0.00734; gnomAD 0.00500 and 0.00543; ExAC 0.00175; ESP Exome Variant Server 0.00531; TOPMed 0.00575.
gnomAD v4.1: 1,587 of 1,614,016 alleles (0.098%); highest among the groups gnomAD compares: African/African-American, 1.7%; 12 homozygotes.

Submissions (3):

Mayo Clinic Laboratories, Mayo Clinic
Classification: Benign. Last evaluated: 2025-03-05. Review status: criteria provided, single submitter. Criteria: ACMG Guidelines, 2015. Collection method: clinical testing. Allele origin: germline. Observed: 4 variant alleles.
Comment: BS1, BS2, BP4, BP7

Labcorp Genetics (formerly Invitae), Labcorp
Classification: Benign. Last evaluated: 2019-12-31. Review status: criteria provided, single submitter. Criteria: Invitae Variant Classification Sherloc (09022015). Collection method: clinical testing. Allele origin: germline.

Breakthrough Genomics
Classification: Benign. Review status: criteria provided, single submitter. Criteria: ACMG Guidelines, 2015. Collection method: not provided. Allele origin: germline. Inheritance: Autosomal recessive inheritance. Affected: yes.

NM_001135254.2(PAX7):c.408G>A (p.Arg136=)

Gene: PAX7 (paired box 7; plus strand). Cytogenetic location: 1p36.13.
Variant type: single nucleotide variant.
Coding change: c.408G>A on transcript NM_001135254.2 (MANE Select); coding-DNA position 408, G replaced by A.
Protein change: p.Arg136=; no amino-acid change (arginine 136 retained).
Molecular consequence: synonymous variant.
Genome position (GRCh38, 1-based): chr1:18,635,197, G>A. VCF-style: chr1-18635197-G-A. GRCh37 (hg19) VCF-style: chr1-18961691-G-A.
Other names: p.Arg136=; c.408G>A, p.Arg136= (NM_002584.3, NM_013945.3).
Identifiers: ClinVar variation 775519 (VCV000775519.6), dbSNP rs72937282, ClinGen allele CA645659.